The following is an entry in ClinVar:

NM_002615.7(SERPINF1):c.621_623del (p.Leu208del)

Gene: SERPINF1 (serpin family F member 1; plus strand). Cytogenetic location: 17p13.3.
Variant type: Deletion.
Coding change: c.621_623del on transcript NM_002615.7 (MANE Select); coding-DNA positions 621 to 623, 3 bases deleted (TCT; older notation c.621_623delTCT).
Protein change: p.Leu208del; deletes leucine 208.
Molecular consequence: inframe deletion.
Genome position (GRCh38, 1-based): chr17:1,772,053-1,772,055, TCT deleted; deleting any 3 consecutive bases within chr17:1,772,051-1,772,055 gives the same sequence; the c. name uses the placement nearest the transcript's 3' end. VCF-style (leftmost placement, unchanged base first): chr17-1772050-CCTT-C. GRCh37 (hg19) VCF-style: chr17-1675344-CCTT-C.
Other names: c.621_623del, p.Leu208del (NM_001329903.2); c.60_62del, p.Leu21del (NM_001329904.2, NM_001329905.2); short protein forms L208del, L21del.
Identifiers: ClinVar variation 684741 (VCV000684741.9), dbSNP rs1597352466, ClinGen allele CA915949458.

ClinVar aggregate classification (germline): Conflicting classifications of pathogenicity. Review status: criteria provided, conflicting classifications (1 of 4 stars). 2 submissions from 2 submitters: Likely pathogenic (1); Uncertain significance (1). Last evaluated 2022-08-09.

Conditions:
Osteogenesis imperfecta type III (OI3). Also called: Osteogenesis imperfecta type 3; OI type 3; Osteogenesis imperfecta, progressively deforming with normal sclerae; OI type III; Progressively Deforming Osteogenesis Imperfecta. Identifiers: Orphanet 216812, Orphanet 666, MedGen C0268362, MONDO:0009804, OMIM 259420.

Submissions (2):

Labcorp Genetics (formerly Invitae), Labcorp
Classification: Uncertain significance. Last evaluated: 2022-08-09. Review status: criteria provided, single submitter. Criteria: Invitae Variant Classification Sherloc (09022015). Collection method: clinical testing. Allele origin: germline.
Comment: This variant, c.621_623del, results in the deletion of 1 amino acid(s) of the SERPINF1 protein (p.Leu208del), but otherwise preserves the integrity of the reading frame. In summary, the available evidence is currently insufficient to determine the role of this variant in disease. Therefore, it has been classified as a Variant of Uncertain Significance. Experimental studies and prediction algorithms are not available or were not evaluated, and the functional significance of this variant is currently unknown. ClinVar contains an entry for this variant (Variation ID: 684741). This variant has been observed in individual(s) with osteogenesis imperfecta (PMID: 32770541). This variant is not present in population databases (gnomAD no frequency).

Paediatric Orthopaedics Research Lab, Christian Medical College
Classification: Likely pathogenic for Osteogenesis imperfecta type III. Last evaluated: 2018-08-24. Review status: criteria provided, single submitter. Criteria: ACMG Guidelines, 2015. Collection method: research. Allele origin: germline. Affected: yes. Observed: 1 variant allele.

Literature cited by the submitters: PubMed 32770541 (cited by Labcorp Genetics (formerly Invitae), Labcorp).